The following is an entry in ClinVar:

NM_006648.4(WNK2):c.4994C>T (p.Ser1665Leu)

Gene: WNK2 (WNK lysine deficient protein kinase 2; plus strand). Cytogenetic location: 9q22.31.
Variant type: single nucleotide variant.
Coding change: c.4994C>T on transcript NM_006648.4 (MANE Select); coding-DNA position 4994, C replaced by T.
Protein change: p.Ser1665Leu; replaces serine 1665 with leucine.
Molecular consequence: missense variant.
Genome position (GRCh38, 1-based): chr9:93,292,365, C>T. VCF-style: chr9-93292365-C-T. GRCh37 (hg19) VCF-style: chr9-96054647-C-T.
Other names: c.5105C>T, p.Ser1702Leu (NM_001282394.3); short protein forms S1665L, S1702L.
Identifiers: ClinVar variation 3817193 (VCV003817193.1).
Genomic context (GRCh38, chr9:93,292,365, plus strand): 5'-TAGCAGAGTCGTCTCCCAGGAGTATGCTAGGCTATGACAGAGATGGAAGGCAGGTGGCCT[C>T]AGACTCCCATGTGGTCCCCAGCGTCCCCCAGGTAAGGGCGACTTGACGACCCCCTGGCTG-3'
Protein context (NP_006639.3, residues 1655-1675): GYDRDGRQVA[Ser1665Leu]DSHVVPSVPQ

ClinVar aggregate classification (germline): Uncertain significance (1 of 4 stars; one submission).

gnomAD v4.1: 3 of 1,613,990 alleles (0.00019%); highest among the groups gnomAD compares: Non-Finnish European, 0.00025%; no homozygotes.

Submission:

Ambry Genetics
Classification: Uncertain significance. Last evaluated: 2025-03-01. Review status: criteria provided, single submitter. Criteria: Ambry Variant Classification Scheme 2023. Collection method: clinical testing. Allele origin: germline.
Comment: The p.S1665L variant (also known as c.4994C>T), located in coding exon 21 of the WNK2 gene, results from a C to T substitution at nucleotide position 4994. The serine at codon 1665 is replaced by leucine, an amino acid with dissimilar properties. This amino acid position is conserved. In addition, this alteration is predicted to be tolerated by in silico analysis. Based on the available evidence, the clinical significance of this variant remains unclear.